The following is an entry in ClinVar:

NM_021076.4(NEFH):c.1405dup (p.Glu469fs)

Gene: NEFH (neurofilament heavy chain; plus strand). Cytogenetic location: 22q12.2.
Variant type: Duplication.
Coding change: c.1405dup on transcript NM_021076.4 (MANE Select); coding-DNA position 1405, one base duplicated (G; older notation c.1405dupG).
Protein change: p.Glu469fs; shifts the reading frame from glutamic acid 469.
Molecular consequence: frameshift variant.
Genome position (GRCh38, 1-based): chr22:29,489,045, G duplicated. VCF-style (leftmost placement, unchanged base first): chr22-29489044-A-AG. GRCh37 (hg19) VCF-style: chr22-29885033-A-AG.
Other names: short protein forms E469fs.
Identifiers: ClinVar variation 2109797 (VCV002109797.4), dbSNP rs2517976700, ClinGen allele CA2577680098.
Genomic context (GRCh38, chr22:29,489,044, plus strand): 5'-GAAGTCTGAGAAAGAAACTGTGATTGTGGAGGAACAGACAGAGGAGACCCAAGTGACTGA[A>AG]GAAGTGACTGAAGAAGAGGAGAAAGAGGCCAAAGAGGAGGAGGGCAAGGAGGAAGAAGGG-3'

ClinVar aggregate classification (germline): Uncertain significance (1 of 4 stars; one submission).

Submission:

Labcorp Genetics (formerly Invitae), Labcorp
Classification: Uncertain significance. Last evaluated: 2022-05-12. Review status: criteria provided, single submitter. Criteria: Invitae Variant Classification Sherloc (09022015). Collection method: clinical testing. Allele origin: germline.
Comment: Experimental studies and prediction algorithms are not available or were not evaluated, and the functional significance of this variant is currently unknown. This variant has not been reported in the literature in individuals affected with NEFH-related conditions. This variant is not present in population databases (gnomAD no frequency). This sequence change creates a premature translational stop signal (p.Glu469Glyfs*4) in the NEFH gene. While this is not anticipated to result in nonsense mediated decay, it is expected to disrupt the last 552 amino acid(s) of the NEFH protein. In summary, the available evidence is currently insufficient to determine the role of this variant in disease. Therefore, it has been classified as a Variant of Uncertain Significance.